The following continues an entry in ClinVar:

NM_000016.6(ACADM):c.127G>A (p.Glu43Lys)

Gene: ACADM. ClinVar aggregate classification (germline): Conflicting classifications of pathogenicity. Pathogenic (5); Likely pathogenic (1); Uncertain significance (11); Likely benign (2).

Submissions 10 to 19 of 19:

Labcorp Genetics (formerly Invitae), Labcorp
Classification: Uncertain significance for Medium-chain acyl-coenzyme A dehydrogenase deficiency. Last evaluated: 2022-10-28. Review status: criteria provided, single submitter. Criteria: Invitae Variant Classification Sherloc (09022015). Collection method: clinical testing. Allele origin: germline.
Comment: This sequence change replaces glutamic acid, which is acidic and polar, with lysine, which is basic and polar, at codon 43 of the ACADM protein (p.Glu43Lys). This variant is present in population databases (rs147559466, gnomAD 0.4%), including at least one homozygous and/or hemizygous individual. This missense change has been observed in individual(s) with mild medium-chain acyl-CoA dehydrogenase deficiency (PMID: 20036593, 20434380, 22166308, 23028790; Invitae). ClinVar contains an entry for this variant (Variation ID: 92257). Advanced modeling of protein sequence and biophysical properties (such as structural, functional, and spatial information, amino acid conservation, physicochemical variation, residue mobility, and thermodynamic stability) performed at Invitae indicates that this missense variant is not expected to disrupt ACADM protein function. Experimental studies have shown that this missense change does not substantially affect ACADM function (PMID: 23028790, 24966162). In summary, the available evidence is currently insufficient to determine the role of this variant in disease. Therefore, it has been classified as a Variant of Uncertain Significance.

MGZ Medical Genetics Center
Classification: Uncertain significance for Medium-chain acyl-coenzyme A dehydrogenase deficiency. Last evaluated: 2022-02-07. Review status: criteria provided, single submitter. Criteria: ACMG Guidelines, 2015. Collection method: clinical testing. Allele origin: germline. Affected: yes. Observed: 1 variant allele.
Comment: ACMG criteria applied: PS4_MOD, PM3, PS3_SUP, PP3, BS3_SUP, BP2

Revvity Omics, Revvity
Classification: Uncertain significance for Medium-chain acyl-coenzyme A dehydrogenase deficiency. Last evaluated: 2021-12-17. Review status: criteria provided, single submitter. Criteria: ACMG Guidelines, 2015. Collection method: clinical testing. Allele origin: germline.

Laboratorio de Genetica e Diagnostico Molecular, Hospital Israelita Albert Einstein
Classification: Uncertain significance. Last evaluated: 2020-10-21. Review status: criteria provided, single submitter. Criteria: ACMG Guidelines, 2015. Collection method: clinical testing. Allele origin: germline. Affected: yes.
Comment: ACMG classification criteria: PM3, PP3, BS1

Victorian Clinical Genetics Services, Murdoch Childrens Research Institute
Classification: Likely benign for Medium-chain acyl-coenzyme A dehydrogenase deficiency. Last evaluated: 2019-08-28. Review status: criteria provided, single submitter. Criteria: ACMG Guidelines, 2015. Collection method: clinical testing. Allele origin: germline. Inheritance: Autosomal recessive inheritance.
Comment: A heterozygous missense variant, NM_000016.4(ACADM):c.127G>A, has been identified in exon 3 of 12 of the ACADM gene. The variant is predicted to result in a minor amino acid change from Glu to Lys at position 43 of the protein (NP_000007.1(ACADM):p.(Glu43Lys)). The Glu residue at this position has low conservation (100 vertebrates, UCSC), and is located within the Acyl-CoA dehydrogenase, N-terminal domain functional domain. In-silico predictions of pathogenicity for this variant are conflicting (Polyphen, SIFT, CADD, Mutation Taster). The variant is present in the gnomAD database at a frequency of 0.2% (590 heterozygotes, 2 homozygotes). An alternative residue change has been reported in the gnomAD database at a frequency of 0.0004%. The variant has been previously reported with conflicting interpretations of pathogenicity (ClinVar). It is argued that this variant's first reports were in a prospective newborn screening in asymptomatic individuals with altered biochemical results (Smith, E.H. et al., 2010). However, later reports demonstrate that this variant has not been identified in patients, but rather in unaffected individuals with no significant biochemical phenotype (Smith, E.H. et al., 2010; Sturm, M. et al., 2012). After following up individiuals identified with this variant, a recent report reclassifies it from pathogenic to benign due to high population frequency and lack of clinical correlation (Garber, K.B. et al., 2016). Additionally, functional analysis are inconclusive regarding biological significance. Overall it seems to have a mild effect in vitro, biochemically and clinically (Koster, K.L. et al., 2014). Sturm et al. (2010) suggests this variant is a innocuous polymorphism as oxidation residual activity was in the range of 31-60% for compound heterozygous, however the risk for disease should be below 20%. Based on the information available at the time of curation, this variant has been classified as LIKELY BENIGN.

ARUP Laboratories, Molecular Genetics and Genomics, ARUP Laboratories
Classification: Uncertain significance for Medium-chain acyl-coenzyme A dehydrogenase deficiency. Last evaluated: 2017-07-26. Review status: criteria provided, single submitter. Criteria: ARUP Molecular Germline Variant Investigation Process. Collection method: clinical testing. Allele origin: germline.

Illumina Laboratory Services, Illumina
Classification: Likely benign for Medium-chain acyl-coenzyme A dehydrogenase deficiency. Last evaluated: 2017-04-27. Review status: criteria provided, single submitter. Criteria: ICSL Variant Classification Criteria 13 December 2019. Collection method: clinical testing. Allele origin: germline.
Comment: This variant was observed as part of a predisposition screen in an ostensibly healthy population. A literature search was performed for the gene, cDNA change, and amino acid change (where applicable). Publications were found based on this search. The evidence from the literature, in combination with allele frequency data from public databases where available, was sufficient to determine this variant is unlikely to cause disease. Therefore, this variant is classified as likely benign.

Center for Pediatric Genomic Medicine, Children's Mercy Hospital and Clinics
Classification: Pathogenic. Last evaluated: 2015-03-30. Review status: criteria provided, single submitter. Criteria: ACMG Guidelines, 2015. Collection method: clinical testing. Allele origin: germline.

Eurofins Ntd Llc (ga)
Classification: Pathogenic. Last evaluated: 2012-08-06. Review status: criteria provided, single submitter. Criteria: EGL Classification Definitions. Collection method: clinical testing. Allele origin: germline. Observed: 12 variant alleles, 12 heterozygotes.

Neuberg Centre For Genomic Medicine, NCGM
Classification: Uncertain significance for Medium-chain acyl-coenzyme A dehydrogenase deficiency. Review status: criteria provided, single submitter. Criteria: ACMG Guidelines, 2015. Collection method: clinical testing. Allele origin: germline. Inheritance: Autosomal recessive inheritance. Affected: yes.
Comment: The missense variant c.127G>A(p.Glu43Lys) in ACADM gene has been observed in individual(s) with mild medium-chain acyl-CoA dehydrogenase deficiency (Sturm et. al., 2012; Oerton et. al., 2011). Experimental studies have shown that this missense change does not substantially affect ACADM function (Koster et. al., 2014). The observed variant has allele frequency of 0.2% in gnomAD exomes database. This variant has been submitted to the ClinVar database as Likely benign / Pathogenic / Uncertain Significance (multiple submissions). The amino acid change p.Glu43Lys in ACADM is predicted as conserved by GERP++ and PhyloP across 100 vertebrates. The amino acid Glu at position 43 is changed to a Lys changing protein sequence and it might alter its composition and physico-chemical properties. However, additional functional studies will be required to confirm the pathogenicity of the variant. For these reasons, this variant has been classified as Uncertain Significance (VUS).

Literature cited by the submitters: PubMed 22995991 (cited by Women's Health and Genetics/Laboratory Corporation of America, LabCorp); PubMed 23757202 (cited by Women's Health and Genetics/Laboratory Corporation of America, LabCorp); PubMed 25087612 (cited by Women's Health and Genetics/Laboratory Corporation of America, LabCorp); PubMed 18241067 (cited by Women's Health and Genetics/Laboratory Corporation of America, LabCorp); PubMed 16291504 (cited by Women's Health and Genetics/Laboratory Corporation of America, LabCorp and Mayo Clinic Laboratories, Mayo Clinic); PubMed 22494076 (cited by Women's Health and Genetics/Laboratory Corporation of America, LabCorp); PubMed 23028790 (cited by 3 submitters); PubMed 20434380 (cited by 3 submitters); PubMed 22542437 (cited by Women's Health and Genetics/Laboratory Corporation of America, LabCorp); PubMed 25940036 (cited by Women's Health and Genetics/Laboratory Corporation of America, LabCorp); PubMed 20036593 (cited by Women's Health and Genetics/Laboratory Corporation of America, LabCorp and Labcorp Genetics (formerly Invitae), Labcorp); PubMed 15171998 (cited by Women's Health and Genetics/Laboratory Corporation of America, LabCorp and Illumina Laboratory Services, Illumina); PubMed 24966162 (cited by 4 submitters); PubMed 24517888 (cited by Women's Health and Genetics/Laboratory Corporation of America, LabCorp); PubMed 27843123 (cited by 3 submitters); PubMed 27477829 (cited by Women's Health and Genetics/Laboratory Corporation of America, LabCorp); PubMed 32778825 (cited by Women's Health and Genetics/Laboratory Corporation of America, LabCorp and Mayo Clinic Laboratories, Mayo Clinic); PubMed 27760515 (cited by Women's Health and Genetics/Laboratory Corporation of America, LabCorp); PubMed 18836889 (cited by Women's Health and Genetics/Laboratory Corporation of America, LabCorp); PubMed 24294134 (cited by Women's Health and Genetics/Laboratory Corporation of America, LabCorp); PubMed 16763904 (cited by Women's Health and Genetics/Laboratory Corporation of America, LabCorp); PubMed 33580884 (cited by Women's Health and Genetics/Laboratory Corporation of America, LabCorp); PubMed 34426522 (cited by Women's Health and Genetics/Laboratory Corporation of America, LabCorp); PubMed 23829193 (cited by Women's Health and Genetics/Laboratory Corporation of America, LabCorp); PubMed 31836396 (cited by Women's Health and Genetics/Laboratory Corporation of America, LabCorp); PubMed 30626930 (cited by Women's Health and Genetics/Laboratory Corporation of America, LabCorp); PubMed 31012112 (cited by Women's Health and Genetics/Laboratory Corporation of America, LabCorp); PubMed 18450854 (cited by Women's Health and Genetics/Laboratory Corporation of America, LabCorp and Mayo Clinic Laboratories, Mayo Clinic); PubMed 35281663 (cited by Women's Health and Genetics/Laboratory Corporation of America, LabCorp); PubMed 27943070 (cited by 3 submitters); PubMed 35460704 (cited by Women's Health and Genetics/Laboratory Corporation of America, LabCorp); PubMed 22166308 (cited by Women's Health and Genetics/Laboratory Corporation of America, LabCorp and Labcorp Genetics (formerly Invitae), Labcorp); PubMed 35629059 (cited by Women's Health and Genetics/Laboratory Corporation of America, LabCorp and Ambry Genetics); PubMed 38532509 (cited by Women's Health and Genetics/Laboratory Corporation of America, LabCorp); PubMed 38146699 (cited by 3 submitters); PubMed 30239619 (cited by Women's Health and Genetics/Laboratory Corporation of America, LabCorp); PubMed 38941880 (cited by Women's Health and Genetics/Laboratory Corporation of America, LabCorp); PubMed 39425040 (cited by Women's Health and Genetics/Laboratory Corporation of America, LabCorp); PubMed 30977266 (cited by Women's Health and Genetics/Laboratory Corporation of America, LabCorp); PubMed 34449524 (cited by Women's Health and Genetics/Laboratory Corporation of America, LabCorp); PubMed 29545352 (cited by Women's Health and Genetics/Laboratory Corporation of America, LabCorp); PubMed 38103157 (cited by Women's Health and Genetics/Laboratory Corporation of America, LabCorp); PubMed 28518168 (cited by Ambry Genetics); PubMed 32461654 (cited by Ambry Genetics); PubMed 41022664 (cited by Department of Genetics of Metabolic Diseases, Institute of Medical & Molecular Genetics, Hospital Universitario Hospital La Paz).